The following is an entry in ClinVar:

NM_001267550.2(TTN):c.76343G>A (p.Ser25448Asn)

Genes: TTN (titin; minus strand), TTN-AS1 (TTN antisense RNA 1; plus strand). Cytogenetic location: 2q31.2.
Variant type: single nucleotide variant.
Coding change: c.76343G>A on transcript NM_001267550.2 (MANE Select); coding-DNA position 76343, G replaced by A.
Protein change: p.Ser25448Asn; replaces serine 25448 with asparagine.
Molecular consequence: missense variant.
Genome position (GRCh38, 1-based): chr2:178,569,789, C>T on the plus strand (G>A on the coding strand, the complement: TTN is on the minus strand). VCF-style: chr2-178569789-C-T. GRCh37 (hg19) VCF-style: chr2-179434516-C-T.
Other names: p.S22880N:AGT>AAT; c.71420G>A, p.Ser23807Asn (NM_001256850.1); c.49148G>A, p.Ser16383Asn (NM_003319.4); c.68639G>A, p.Ser22880Asn (NM_133378.4); c.49523G>A, p.Ser16508Asn (NM_133432.3); c.49724G>A, p.Ser16575Asn (NM_133437.4); short protein forms S25448N, S22880N, S23807N, S16575N, S16383N, S16508N.
Identifiers: ClinVar variation 47347 (VCV000047347.38), dbSNP rs3813243, ClinGen allele CA283776.

ClinVar aggregate classification (germline): Benign/Likely benign. Review status: criteria provided, multiple submitters, no conflicts (2 of 4 stars). 24 submissions from 17 submitters: Benign (19); Likely benign (2). 3 of the submissions do not count toward it. Last evaluated 2026-02-04.

Conditions:
Dilated cardiomyopathy 1G (CMD1G). Identifiers: Orphanet 154, MedGen C1858763, MONDO:0011400, OMIM 604145.
Autosomal recessive limb-girdle muscular dystrophy type 2J (LGMDR10). Also called: MUSCULAR DYSTROPHY, LIMB-GIRDLE, AUTOSOMAL RECESSIVE 10; Limb-girdle muscular dystrophy, type 2J. Identifiers: Orphanet 140922, MedGen C1837342, MONDO:0012127, OMIM 608807.
Cardiovascular phenotype. Identifiers: MedGen CN230736.
Early-onset myopathy with fatal cardiomyopathy (CMYO5). Also called: CONGENITAL MYOPATHY 5 WITH CARDIOMYOPATHY; Salih Myopathy. Identifiers: Orphanet 289377, MedGen C2673677, MONDO:0012714, OMIM 611705. Disease mechanism: loss of function.
Tibial muscular dystrophy (TMD). Also called: Udd Distal Myopathy – Tibial Muscular Dystrophy; Tibial muscular dystrophy, tardive; UDD MYOPATHY. Identifiers: Orphanet 609, MedGen C1838244, MONDO:0010870, OMIM 600334.
Myopathy, myofibrillar, 9, with early respiratory failure (MFM9). Also called: Myopathy, distal, with early respiratory failure, autosomal dominant; Hereditary myopathy with early respiratory failure; MYOPATHY, PROXIMAL, WITH EARLY RESPIRATORY MUSCLE INVOLVEMENT; EDSTROM MYOPATHY. Identifiers: Orphanet 178464, Orphanet 34521, MedGen C1863599, MONDO:0011362, OMIM 603689.

Allele frequency attached by ClinVar (database versions not stated): ExAC 0.04127; gnomAD exomes 0.02886 and 0.04182; gnomAD 0.04071 and 0.04266; ESP Exome Variant Server 0.03392; TOPMed 0.04563; 1000 Genomes Project 0.07927; 1000 Genomes Project 30x 0.07776.
gnomAD v4.1: 49,171 of 1,613,236 alleles (3%); highest among the groups gnomAD compares: East Asian, 18%; 1,521 homozygotes.

Submissions (24):

Labcorp Genetics (formerly Invitae), Labcorp
Classification: Benign for Dilated cardiomyopathy 1G; Autosomal recessive limb-girdle muscular dystrophy type 2J. Last evaluated: 2026-02-04. Review status: criteria provided, single submitter. Criteria: Invitae Variant Classification Sherloc (09022015). Collection method: clinical testing. Allele origin: germline.

Molecular Diagnostic Laboratory for Inherited Cardiovascular Disease, Montreal Heart Institute
Classification: Benign. Last evaluated: 2025-04-09. Review status: criteria provided, single submitter. Criteria: ACMG Guidelines, 2015. Collection method: clinical testing. Allele origin: germline. Affected: no.

Women's Health and Genetics/Laboratory Corporation of America, LabCorp
Classification: Likely benign. Last evaluated: 2024-03-11. Review status: criteria provided, single submitter. Criteria: LabCorp Variant Classification Summary - May 2015. Collection method: clinical testing. Allele origin: germline.

Genome-Nilou Lab
Classification: Benign for Autosomal recessive limb-girdle muscular dystrophy type 2J. Last evaluated: 2021-09-10. Review status: criteria provided, single submitter. Criteria: ACMG Guidelines, 2015. Collection method: clinical testing. Allele origin: germline. Affected: no.

Genome-Nilou Lab
Classification: Benign for Myopathy, myofibrillar, 9, with early respiratory failure. Last evaluated: 2021-09-10. Review status: criteria provided, single submitter. Criteria: ACMG Guidelines, 2015. Collection method: clinical testing. Allele origin: germline. Affected: no.

Genome-Nilou Lab
Classification: Benign for Early-onset myopathy with fatal cardiomyopathy. Last evaluated: 2021-09-10. Review status: criteria provided, single submitter. Criteria: ACMG Guidelines, 2015. Collection method: clinical testing. Allele origin: germline. Affected: no.

Genome-Nilou Lab
Classification: Benign for Tibial muscular dystrophy. Last evaluated: 2021-09-10. Review status: criteria provided, single submitter. Criteria: ACMG Guidelines, 2015. Collection method: clinical testing. Allele origin: germline. Affected: no.

Illumina Laboratory Services, Illumina
Classification: Benign for Myopathy, myofibrillar, 9, with early respiratory failure. Last evaluated: 2018-01-12. Review status: criteria provided, single submitter. Criteria: ICSL Variant Classification Criteria 13 December 2019. Collection method: clinical testing. Allele origin: germline.
Comment: This variant was observed in the ICSL laboratory as part of a predisposition screen in an ostensibly healthy population. It had not been previously curated by ICSL or reported in the Human Gene Mutation Database (HGMD: prior to June 1st, 2018), and was therefore a candidate for classification through an automated scoring system. Utilizing variant allele frequency, disease prevalence and penetrance estimates, and inheritance mode, an automated score was calculated to assess if this variant is too frequent to cause the disease. Based on the score and internal cut-off values, a variant classified as benign is not then subjected to further curation. The score for this variant resulted in a classification of benign for this disease.

Illumina Laboratory Services, Illumina
Classification: Benign for Early-onset myopathy with fatal cardiomyopathy. Last evaluated: 2018-01-12. Review status: criteria provided, single submitter. Criteria: ICSL Variant Classification Criteria 13 December 2019. Collection method: clinical testing. Allele origin: germline.
Comment: the same text as in the submission from Illumina Laboratory Services, Illumina above.

Illumina Laboratory Services, Illumina
Classification: Benign for Tibial muscular dystrophy. Last evaluated: 2018-01-12. Review status: criteria provided, single submitter. Criteria: ICSL Variant Classification Criteria 13 December 2019. Collection method: clinical testing. Allele origin: germline.
Comment: the same text as in the submission from Illumina Laboratory Services, Illumina above.

Illumina Laboratory Services, Illumina
Classification: Benign for Autosomal recessive limb-girdle muscular dystrophy type 2J. Last evaluated: 2018-01-12. Review status: criteria provided, single submitter. Criteria: ICSL Variant Classification Criteria 13 December 2019. Collection method: clinical testing. Allele origin: germline.
Comment: the same text as in the submission from Illumina Laboratory Services, Illumina above.

Illumina Laboratory Services, Illumina
Classification: Benign for Dilated cardiomyopathy 1G. Last evaluated: 2018-01-12. Review status: criteria provided, single submitter. Criteria: ICSL Variant Classification Criteria 13 December 2019. Collection method: clinical testing. Allele origin: germline.
Comment: the same text as in the submission from Illumina Laboratory Services, Illumina above.

Mayo Clinic Laboratories, Mayo Clinic
Classification: Benign. Last evaluated: 2017-08-24. Review status: criteria provided, single submitter. Criteria: ACMG Guidelines, 2015. Collection method: clinical testing. Allele origin: germline. Observed: 178 variant alleles.

Genetic Services Laboratory, University of Chicago
Classification: Benign for AllHighlyPenetrant. Last evaluated: 2013-08-15. Review status: criteria provided, single submitter. Criteria: ACMG Guidelines, 2007. Collection method: clinical testing. Allele origin: germline.

Eurofins Ntd Llc (ga)
Classification: Benign. Last evaluated: 2013-07-24. Review status: criteria provided, single submitter. Criteria: EGL Classification Definitions 2015. Collection method: clinical testing. Allele origin: germline. Observed: 1 variant allele, 1 heterozygote.

Biesecker Lab/Clinical Genomics Section, National Institutes of Health
Classification: Benign. Last evaluated: 2013-06-24. Review status: criteria provided, single submitter. Criteria: Ng et al. (Circ Cardiovasc Genet. 2013). Collection method: research. Allele origin: unknown. Observed: 43 variant alleles. Study: ClinSeq.
Comment: The study set was not selected for affection status in relation to any cancer. Pathogenicity categories were based on literature curation. See Pubmed ID:23861362 for details.

Medical sequencing

Ambry Genetics
Classification: Benign for Cardiovascular phenotype. Last evaluated: 2013-01-09. Review status: criteria provided, single submitter. Criteria: Ambry Autosomal Dominant and X-Linked criteria (10/2015). Collection method: clinical testing. Allele origin: germline. Observed: 1 variant allele.

GeneDx
Classification: Benign. Last evaluated: 2012-10-31. Review status: criteria provided, single submitter. Criteria: GeneDx Variant Classification (06012015). Collection method: clinical testing. Allele origin: germline. Affected: yes.
Comment: This variant is considered likely benign or benign based on one or more of the following criteria: it is a conservative change, it occurs at a poorly conserved position in the protein, it is predicted to be benign by multiple in silico algorithms, and/or has population frequency not consistent with disease.

Laboratory for Molecular Medicine, Mass General Brigham Personalized Medicine
Classification: Benign. Last evaluated: 2012-07-24. Review status: criteria provided, single submitter. Criteria: LMM Criteria. Collection method: clinical testing. Allele origin: germline. Observed: 107 variant alleles.
Comment: Benign based on high MAF in EA (2%; T=167/C=8095) and AA (6.3%; T=241/C=3527) - NHLBI Exome Variant Server

Breakthrough Genomics
Classification: Likely benign. Review status: criteria provided, single submitter. Criteria: ACMG Guidelines, 2015. Collection method: not provided. Allele origin: germline. Inheritance: Autosomal recessive inheritance. Affected: yes.

PreventionGenetics, part of Exact Sciences
Classification: Benign. Review status: criteria provided, single submitter. Criteria: ACMG Guidelines, 2015. Collection method: clinical testing. Allele origin: germline.

Clinical Genetics DNA and cytogenetics Diagnostics Lab, Erasmus MC, Erasmus Medical Center
Classification: Benign. Review status: no assertion criteria provided. Collection method: clinical testing. Allele origin: germline. Affected: yes. Study: VKGL Data-share Consensus. Not counted in ClinVar's aggregate classification.

Clinical Genetics, Academic Medical Center
Classification: Benign. Review status: no assertion criteria provided. Collection method: clinical testing. Allele origin: germline. Affected: yes. Study: VKGL Data-share Consensus. Not counted in ClinVar's aggregate classification.

Laboratory of Diagnostic Genome Analysis, Leiden University Medical Center (LUMC)
Classification: Benign. Review status: no assertion criteria provided. Collection method: clinical testing. Allele origin: germline. Affected: yes. Study: VKGL Data-share Consensus. Not counted in ClinVar's aggregate classification.